The following is an entry in ClinVar:

NM_005883.3(APC2):c.564G>A (p.Glu188=)

Gene: APC2 (APC regulator of Wnt signaling pathway 2; plus strand). Cytogenetic location: 19p13.3.
Variant type: single nucleotide variant.
Coding change: c.564G>A on transcript NM_005883.3 (MANE Select); coding-DNA position 564, G replaced by A.
Protein change: p.Glu188=; no amino-acid change (glutamic acid 188 retained).
Molecular consequence: synonymous variant.
Genome position (GRCh38, 1-based): chr19:1,455,425, G>A. VCF-style: chr19-1455425-G-A. GRCh37 (hg19) VCF-style: chr19-1455424-G-A.
Other names: c.561G>A, p.Glu187= (NM_001351273.1).
Identifiers: ClinVar variation 2076002 (VCV002076002.28), dbSNP rs149886452, ClinGen allele CA9044789.
Genomic context (GRCh38, chr19:1,455,425, plus strand): 5'-GCCCGCCTGCCTTTGCCAGCAGTTCTCGATGCAGATGGACCTGATCCGGCAGCAGCTTGA[G>A]TTCGAGGCCCAGCACATCCGCTCGCTGATGGAGGAGCGCTTCGGCACCTCGGACGAGATG-3'
Protein context (NP_005874.1, residues 178-198): MQMDLIRQQL[Glu188=]FEAQHIRSLM

ClinVar aggregate classification (germline): Likely benign. Review status: criteria provided, multiple submitters, no conflicts (2 of 4 stars). 2 submissions from 2 submitters: Likely benign (2). Last evaluated 2025-12-01.

Allele frequency attached by ClinVar (database versions not stated): ESP Exome Variant Server 0.00031; TOPMed 0.00046; gnomAD 0.00049; 1000 Genomes Project 0.00060; ExAC 0.00064; 1000 Genomes Project 30x 0.00078.

Submissions (2):

Labcorp Genetics (formerly Invitae), Labcorp
Classification: Likely benign. Last evaluated: 2025-12-01. Review status: criteria provided, single submitter. Criteria: Invitae Variant Classification Sherloc (09022015). Collection method: clinical testing. Allele origin: germline.

CeGaT Center for Human Genetics Tuebingen
Classification: Likely benign. Last evaluated: 2025-07-01. Review status: criteria provided, single submitter. Criteria: CeGaT Center For Human Genetics Tuebingen Variant Classification Criteria Version 2. Collection method: clinical testing. Allele origin: germline. Affected: yes. Observed: 2 variant alleles.
Comment: APC2: BP4, BP7